The following is an entry in ClinVar:

ClinVar aggregate classification (germline): Uncertain significance (1 of 4 stars; one submission).

Conditions:
Inborn genetic diseases. Identifiers: MedGen C0950123, MeSH D030342.

Submission:

Ambry Genetics
Classification: Uncertain significance for Inborn genetic diseases. Last evaluated: 2024-09-19. Review status: criteria provided, single submitter. Criteria: Ambry Variant Classification Scheme 2023. Collection method: clinical testing. Allele origin: germline.
Comment: The p.D643N variant (also known as c.1927G>A), located in coding exon 15 of the BUB1B gene, results from a G to A substitution at nucleotide position 1927. The aspartic acid at codon 643 is replaced by asparagine, an amino acid with highly similar properties. This amino acid position is conserved. In addition, this alteration is predicted to be tolerated by in silico analysis. Based on the available evidence, the clinical significance of this variant remains unclear.

NM_001211.6(BUB1B):c.1927G>A (p.Asp643Asn)

Gene: BUB1B (BUB1 mitotic checkpoint serine/threonine kinase B; plus strand). Cytogenetic location: 15q15.1.
Variant type: single nucleotide variant.
Coding change: c.1927G>A on transcript NM_001211.6 (MANE Select); coding-DNA position 1927, G replaced by A.
Protein change: p.Asp643Asn; replaces aspartic acid 643 with asparagine.
Molecular consequence: missense variant.
Genome position (GRCh38, 1-based): chr15:40,206,376, G>A. VCF-style: chr15-40206376-G-A. GRCh37 (hg19) VCF-style: chr15-40498577-G-A.
Other names: short protein forms D643N.
Identifiers: ClinVar variation 3483199 (VCV003483199.1).